The following is an entry in ClinVar:

NM_005188.4(CBL):c.*2619C>T

Gene: CBL (Cbl proto-oncogene; plus strand). Cytogenetic location: 11q23.3.
Variant type: single nucleotide variant.
Coding change: c.*2619C>T on transcript NM_005188.4 (MANE Select); 2619 bases downstream of the stop codon, C replaced by T.
Molecular consequence: 3 prime UTR variant.
Genome position (GRCh38, 1-based): chr11:119,302,400, C>T. VCF-style: chr11-119302400-C-T. GRCh37 (hg19) VCF-style: chr11-119173110-C-T.
Identifiers: ClinVar variation 302825 (VCV000302825.5), dbSNP rs147497664, ClinGen allele CA10630002.

ClinVar aggregate classification (germline): Benign (1 of 4 stars; one submission).

Conditions:
CBL-related disorder. Also called: NOONAN SYNDROME-LIKE DISORDER WITHOUT JUVENILE MYELOMONOCYTIC LEUKEMIA; CBL MUTATION-ASSOCIATED SYNDROME; CBL SYNDROME. Identifiers: Orphanet 363972, MedGen C3150803, MONDO:0013308, OMIM 613563.

Allele frequency attached by ClinVar (database versions not stated): gnomAD 0.00039 and 0.00053; TOPMed 0.00056; gnomAD exomes 0.00116; 1000 Genomes Project 30x 0.00219; 1000 Genomes Project 0.00240.
gnomAD v4.1: 168 of 232,938 alleles (0.072%); highest among the groups gnomAD compares: East Asian, 0.87%; 1 homozygote.

Submission:

Illumina Laboratory Services, Illumina
Classification: Benign for CBL-related disorder. Last evaluated: 2018-01-12. Review status: criteria provided, single submitter. Criteria: ICSL Variant Classification Criteria 13 December 2019. Collection method: clinical testing. Allele origin: germline.
Comment: This variant was observed in the ICSL laboratory as part of a predisposition screen in an ostensibly healthy population. It had not been previously curated by ICSL or reported in the Human Gene Mutation Database (HGMD: prior to June 1st, 2018), and was therefore a candidate for classification through an automated scoring system. Utilizing variant allele frequency, disease prevalence and penetrance estimates, and inheritance mode, an automated score was calculated to assess if this variant is too frequent to cause the disease. Based on the score and internal cut-off values, a variant classified as benign is not then subjected to further curation. The score for this variant resulted in a classification of benign for this disease.